The following is an entry in ClinVar:

NM_016352.4(CPA4):c.777G>A (p.Trp259Ter)

Gene: CPA4 (carboxypeptidase A4; plus strand). Cytogenetic location: 7q32.2.
Variant type: single nucleotide variant.
Coding change: c.777G>A on transcript NM_016352.4 (MANE Select); coding-DNA position 777, G replaced by A.
Protein change: p.Trp259Ter; replaces tryptophan 259 with a stop codon.
Molecular consequence: nonsense.
Genome position (GRCh38, 1-based): chr7:130,308,381, G>A. VCF-style: chr7-130308381-G-A. GRCh37 (hg19) VCF-style: chr7-129948221-G-A.
Other names: c.678G>A, p.Trp226Ter (NM_001163446.2); short protein forms W259*, W226*.
Identifiers: ClinVar variation 776598 (VCV000776598.5), dbSNP rs145012020, ClinGen allele CA4483981.
Genomic context (GRCh38, chr7:130,308,381, plus strand): 5'-GAAGACGCGGTCCCGAAATCCTGGAAGCTCCTGCATTGGTGCTGACCCAAATAGAAACTG[G>A]AACGCTAGTTTTGCAGGTAGGCGGTGGGGAGACAGTTCTCAAATCCTGCTGTCCCTGGGC-3'

ClinVar aggregate classification (germline): Likely benign. Review status: criteria provided, single submitter (1 of 4 stars). 2 submissions from 2 submitters: Likely benign (1). 1 of the submissions does not count toward it. Last evaluated 2017-07-24.

Conditions:
CPA4-related disorder. Also called: CPA4-related condition.

Allele frequency attached by ClinVar (database versions not stated): 1000 Genomes Project 0.00080; 1000 Genomes Project 30x 0.00109; gnomAD exomes 0.00234 and 0.00376; ExAC 0.00235; gnomAD 0.00247 and 0.00252; TOPMed 0.00265; ESP Exome Variant Server 0.00315.
gnomAD v4.1: 5,830 of 1,614,060 alleles (0.36%); highest among the groups gnomAD compares: Non-Finnish European, 0.43%; 16 homozygotes.

Submissions (2):

Labcorp Genetics (formerly Invitae), Labcorp
Classification: Likely benign. Last evaluated: 2017-07-24. Review status: criteria provided, single submitter. Criteria: Invitae Variant Classification Sherloc (09022015). Collection method: clinical testing. Allele origin: germline.

PreventionGenetics, part of Exact Sciences
Classification: Likely benign for CPA4-related condition. Last evaluated: 2022-07-19. Review status: no assertion criteria provided. Collection method: clinical testing. Allele origin: germline. Not counted in ClinVar's aggregate classification.
Comment: This variant is classified as likely benign based on ACMG/AMP sequence variant interpretation guidelines (Richards et al. 2015 PMID: 25741868, with internal and published modifications).